The following is an entry in ClinVar:

NM_003242.6(TGFBR2):c.1463A>G (p.Lys488Arg)

Gene: TGFBR2 (transforming growth factor beta receptor 2; plus strand). Cytogenetic location: 3p24.1.
Variant type: single nucleotide variant.
Coding change: c.1463A>G on transcript NM_003242.6 (MANE Select); coding-DNA position 1463, A replaced by G.
Protein change: p.Lys488Arg; replaces lysine 488 with arginine.
Molecular consequence: missense variant.
Genome position (GRCh38, 1-based): chr3:30,688,450, A>G. VCF-style: chr3-30688450-A-G. GRCh37 (hg19) VCF-style: chr3-30729942-A-G.
Other names: c.1538A>G, p.Lys513Arg (NM_001024847.3); c.1646A>G, p.Lys549Arg (NM_001407126.1); c.1571A>G, p.Lys524Arg (NM_001407127.1); c.1490A>G, p.Lys497Arg (NM_001407128.1); c.1466A>G, p.Lys489Arg (NM_001407129.1); c.1460A>G, p.Lys487Arg (NM_001407130.1); c.1358A>G, p.Lys453Arg (NM_001407132.1, NM_001407133.1, NM_001407134.1 and 2 more transcripts); c.1178A>G, p.Lys393Arg (NM_001407137.1); and 2 more; short protein forms K453R, K488R, K368R, K489R, K549R, K198R, K393R, K497R.
Identifiers: ClinVar variation 1773193 (VCV001773193.2), dbSNP rs891207290, ClinGen allele CA71543680.

ClinVar aggregate classification (germline): Uncertain significance (1 of 4 stars; one submission).

Conditions:
Familial thoracic aortic aneurysm and aortic dissection (TAAD). Also called: Thoracic aortic aneurysms and dissections. Identifiers: Orphanet 91387, MedGen C4707243, MONDO:0019625.

Allele frequency attached by ClinVar (database versions not stated): gnomAD exomes below 0.00001.
gnomAD v4.1: 6 of 1,614,238 alleles (0.00037%); highest among the groups gnomAD compares: Non-Finnish European, 0.00051%; no homozygotes.

Submission:

Ambry Genetics
Classification: Uncertain significance for Familial thoracic aortic aneurysm and aortic dissection. Last evaluated: 2021-09-07. Review status: criteria provided, single submitter. Criteria: Ambry Variant Classification Scheme 2023. Collection method: clinical testing. Allele origin: germline.
Comment: The p.K488R variant (also known as c.1463A>G), located in coding exon 6 of the TGFBR2 gene, results from an A to G substitution at nucleotide position 1463. The lysine at codon 488 is replaced by arginine, an amino acid with highly similar properties. This amino acid position is conserved. In addition, the in silico prediction for this alteration is inconclusive. Since supporting evidence is limited at this time, the clinical significance of this alteration remains unclear.